The following is an entry in ClinVar:

NM_012275.3(IL36RN):c.418G>A (p.Gly140Ser)

Gene: IL36RN (interleukin 36 receptor antagonist; plus strand). Cytogenetic location: 2q14.1.
Variant type: single nucleotide variant.
Coding change: c.418G>A on transcript NM_012275.3 (MANE Select); coding-DNA position 418, G replaced by A.
Protein change: p.Gly140Ser; replaces glycine 140 with serine.
Molecular consequence: missense variant.
Genome position (GRCh38, 1-based): chr2:113,062,627, G>A. VCF-style: chr2-113062627-G-A. GRCh37 (hg19) VCF-style: chr2-113820204-G-A.
Other names: c.418G>A, p.Gly140Ser (NM_173170.1); short protein forms G140S.
Identifiers: ClinVar variation 2201192 (VCV002201192.1), dbSNP rs1415006327, ClinGen allele CA348290637.

ClinVar aggregate classification (germline): Uncertain significance (1 of 4 stars; one submission).

Conditions:
Generalized pustular psoriasis. Identifiers: Orphanet 247353, MedGen C0343055, MONDO:0100491.

Allele frequency attached by ClinVar (database versions not stated): TOPMed below 0.00001.

Submission:

Labcorp Genetics (formerly Invitae), Labcorp
Classification: Uncertain significance for Generalized pustular psoriasis. Last evaluated: 2022-02-17. Review status: criteria provided, single submitter. Criteria: Invitae Variant Classification Sherloc (09022015). Collection method: clinical testing. Allele origin: germline.
Comment: This sequence change replaces glycine, which is neutral and non-polar, with serine, which is neutral and polar, at codon 140 of the IL36RN protein (p.Gly140Ser). This variant is present in population databases (no rsID available, gnomAD 0.0009%). This variant has not been reported in the literature in individuals affected with IL36RN-related conditions. Algorithms developed to predict the effect of missense changes on protein structure and function output the following: SIFT: "Tolerated"; PolyPhen-2: "Benign"; Align-GVGD: "Class C0". The serine amino acid residue is found in multiple mammalian species, which suggests that this missense change does not adversely affect protein function. Algorithms developed to predict the effect of sequence changes on RNA splicing suggest that this variant is not likely to affect RNA splicing. In summary, the available evidence is currently insufficient to determine the role of this variant in disease. Therefore, it has been classified as a Variant of Uncertain Significance.